The following is an entry in ClinVar:

ClinVar aggregate classification (germline): Uncertain significance. Review status: criteria provided, multiple submitters, no conflicts (2 of 4 stars). 3 submissions from 3 submitters: Uncertain significance (3). Last evaluated 2025-07-22.

Conditions:
Charcot-Marie-Tooth disease. Also called: Charcot-Marie-Tooth Hereditary Neuropathy; Charcot-Marie-Tooth Neuropathy. Identifiers: Orphanet 166, MedGen C0007959, MONDO:0015626.
Charcot-Marie-Tooth disease axonal type 2C (HMSN2C). Also called: Charcot-Marie-Tooth Disease Type 2, TRPV4-Related (CMT2C); CHARCOT-MARIE-TOOTH DISEASE, AXONAL, AUTOSOMAL DOMINANT, TYPE 2C; Charcot-Marie-Tooth Neuropathy Type 2C. Identifiers: Orphanet 99937, MedGen C1853710, MONDO:0011633, OMIM 606071.

Allele frequency attached by ClinVar (database versions not stated): ExAC 0.00002; gnomAD 0.00002; gnomAD exomes 0.00002; TOPMed 0.00003.
gnomAD v4.1: 25 of 1,613,838 alleles (0.0015%); highest among the groups gnomAD compares: Admixed American, 0.005%; no homozygotes.

Submissions (3):

GeneDx
Classification: Uncertain significance. Last evaluated: 2025-07-22. Review status: criteria provided, single submitter. Criteria: GeneDx Variant Classification Process June 2021. Collection method: clinical testing. Allele origin: germline. Affected: yes.
Comment: Has not been previously published as pathogenic or benign to our knowledge; In silico analysis suggests this variant may impact gene splicing. In the absence of RNA/functional studies, the actual effect of this sequence change is unknown.

Labcorp Genetics (formerly Invitae), Labcorp
Classification: Uncertain significance for Charcot-Marie-Tooth disease axonal type 2C. Last evaluated: 2024-07-19. Review status: criteria provided, single submitter. Criteria: Invitae Variant Classification Sherloc (09022015). Collection method: clinical testing. Allele origin: germline.
Comment: This sequence change affects codon 61 of the TRPV4 mRNA. It is a 'silent' change, meaning that it does not change the encoded amino acid sequence of the TRPV4 protein. This variant is present in population databases (rs773744592, gnomAD 0.01%). This variant has not been reported in the literature in individuals affected with TRPV4-related conditions. ClinVar contains an entry for this variant (Variation ID: 641818). Algorithms developed to predict the effect of sequence changes on RNA splicing suggest that this variant may create or strengthen a splice site. In summary, the available evidence is currently insufficient to determine the role of this variant in disease. Therefore, it has been classified as a Variant of Uncertain Significance.

Molecular Genetics Laboratory, London Health Sciences Centre
Classification: Uncertain significance for Charcot-Marie-Tooth disease. Review status: criteria provided, single submitter. Criteria: ACMG Guidelines, 2015. Collection method: clinical testing. Allele origin: germline. Affected: yes.

NM_021625.5(TRPV4):c.183C>T (p.Gly61=)

Gene: TRPV4 (transient receptor potential cation channel subfamily V member 4; minus strand). Cytogenetic location: 12q24.11.
Variant type: single nucleotide variant.
Coding change: c.183C>T on transcript NM_021625.5 (MANE Select); coding-DNA position 183, C replaced by T.
Protein change: p.Gly61=; no amino-acid change (glycine 61 retained).
Molecular consequence: synonymous variant.
Genome position (GRCh38, 1-based): chr12:109,814,614, G>A on the plus strand (C>T on the coding strand, the complement: TRPV4 is on the minus strand). VCF-style: chr12-109814614-G-A. GRCh37 (hg19) VCF-style: chr12-110252419-G-A.
Other names: c.183C>T, p.Gly61= (NM_147204.3, NM_001177428.2, NM_001177433.2); c.81C>T, p.Gly27= (NM_001177431.2).
Identifiers: ClinVar variation 641818 (VCV000641818.12), dbSNP rs773744592, ClinGen allele CA6780599.